The following is an entry in ClinVar:

ClinVar aggregate classification (germline): Likely benign. Review status: criteria provided, multiple submitters, no conflicts (2 of 4 stars). 2 submissions from 2 submitters: Likely benign (2). Last evaluated 2018-06-14.

Allele frequency attached by ClinVar (database versions not stated): 1000 Genomes Project 0.00659; 1000 Genomes Project 30x 0.00671; TOPMed 0.01042; gnomAD 0.01095 and 0.01101; gnomAD exomes 0.01106; ExAC 0.01171; ESP Exome Variant Server 0.01369.
gnomAD v4.1: 23,886 of 1,604,522 alleles (1.5%); highest among the groups gnomAD compares: Middle Eastern, 2.1%; 198 homozygotes.

Submissions (2):

GeneDx
Classification: Likely benign. Last evaluated: 2018-06-14. Review status: criteria provided, single submitter. Criteria: GeneDx Variant Classification (06012015). Collection method: clinical testing. Allele origin: germline. Affected: yes.
Comment: This variant is considered likely benign or benign based on one or more of the following criteria: it is a conservative change, it occurs at a poorly conserved position in the protein, it is predicted to be benign by multiple in silico algorithms, and/or has population frequency not consistent with disease.

Breakthrough Genomics
Classification: Likely benign. Review status: criteria provided, single submitter. Criteria: ACMG Guidelines, 2015. Collection method: not provided. Allele origin: germline. Inheritance: Unknown mechanism. Affected: yes.

NM_001080779.2(MYO1C):c.76-31C>T

Gene: MYO1C (myosin IC; minus strand). Cytogenetic location: 17p13.3.
Variant type: single nucleotide variant.
Coding change: c.76-31C>T on transcript NM_001080779.2 (MANE Select); 31 bases into the intron before coding-DNA position 76, C replaced by T.
Molecular consequence: intron variant.
Genome position (GRCh38, 1-based): chr17:1,484,334, G>A on the plus strand (C>T on the coding strand, the complement: MYO1C is on the minus strand). VCF-style: chr17-1484334-G-A. GRCh37 (hg19) VCF-style: chr17-1387628-G-A.
Other names: c.-30-31C>T (NM_033375.5); c.19-31C>T (NM_001080950.2); c.4-31C>T (NM_001363855.1).
Identifiers: ClinVar variation 683308 (VCV000683308.2), dbSNP rs72818298, ClinGen allele CA8268211.